The following is an entry in ClinVar:

NM_001849.4(COL6A2):c.864G>A (p.Pro288=)

Gene: COL6A2 (collagen type VI alpha 2 chain; plus strand). Cytogenetic location: 21q22.3.
Variant type: single nucleotide variant.
Coding change: c.864G>A on transcript NM_001849.4 (MANE Select); coding-DNA position 864, G replaced by A.
Protein change: p.Pro288=; no amino-acid change (proline 288 retained).
Molecular consequence: synonymous variant.
Genome position (GRCh38, 1-based): chr21:46,116,017, G>A. VCF-style: chr21-46116017-G-A. GRCh37 (hg19) VCF-style: chr21-47535931-G-A.
Other names: c.864G>A, p.Pro288= (NM_058174.3, NM_058175.3).
Identifiers: ClinVar variation 1077224 (VCV001077224.11), dbSNP rs375307603, ClinGen allele CA10071515.
Genomic context (GRCh38, chr21:46,116,017, plus strand): 5'-TGCAGCCCAGCGCCCCAGGGCTGGGCTCACACTGCTGCGTTGTCCTTCACAGGGAGACCC[G>A]GGCATCGAAGGCCCCATTGGATTCCCAGGACCCAAGGTGAGTGACCTCGGCCAGGGGCTT-3'
Protein context (NP_001840.3, residues 278-298): EPGQKGRQGD[Pro288=]GIEGPIGFPG

ClinVar aggregate classification (germline): Likely benign. Review status: criteria provided, multiple submitters, no conflicts (2 of 4 stars). 2 submissions from 2 submitters: Likely benign (2). Last evaluated 2026-05-01.

Conditions:
Bethlem myopathy 1A. Also called: Bethlem myopathy 1; Bethlem Muscular Dystrophy; MYOPATHY, BENIGN CONGENITAL, WITH CONTRACTURES. Identifiers: Orphanet 610, MedGen CN029274, MONDO:0024530, OMIM 158810.

Allele frequency attached by ClinVar (database versions not stated): gnomAD 0.00001 and 0.00003; ExAC 0.00003; ESP Exome Variant Server 0.00008; 1000 Genomes Project 30x 0.00016; 1000 Genomes Project 0.00020.
gnomAD v4.1: 62 of 1,606,566 alleles (0.0039%); highest among the groups gnomAD compares: East Asian, 0.092%; no homozygotes.

Submissions (2):

CeGaT Center for Human Genetics Tuebingen
Classification: Likely benign. Last evaluated: 2026-05-01. Review status: criteria provided, single submitter. Criteria: CeGaT Center For Human Genetics Tuebingen Variant Classification Criteria Version 2. Collection method: clinical testing. Allele origin: germline. Affected: yes. Observed: 1 variant allele.
Comment: COL6A2: BP4, BP7

Labcorp Genetics (formerly Invitae), Labcorp
Classification: Likely benign for Bethlem myopathy 1A. Last evaluated: 2025-10-20. Review status: criteria provided, single submitter. Criteria: Invitae Variant Classification Sherloc (09022015). Collection method: clinical testing. Allele origin: germline.